The following is an entry in ClinVar:

NM_001365276.2(TNXB):c.226C>T (p.Arg76Cys)

Gene: TNXB (tenascin XB; minus strand). Cytogenetic location: 6p21.33.
Variant type: single nucleotide variant.
Coding change: c.226C>T on transcript NM_001365276.2 (MANE Select); coding-DNA position 226, C replaced by T.
Protein change: p.Arg76Cys; replaces arginine 76 with cysteine.
Molecular consequence: missense variant.
Genome position (GRCh38, 1-based): chr6:32,097,973, G>A on the plus strand (C>T on the coding strand, the complement: TNXB is on the minus strand). VCF-style: chr6-32097973-G-A. GRCh37 (hg19) VCF-style: chr6-32065750-G-A.
Other names: c.226C>T, p.Arg76Cys (NM_001428335.1, NM_019105.8); short protein forms R76C.
Identifiers: ClinVar variation 3227252 (VCV003227252.2), dbSNP rs768199265, ClinGen allele CA3735885.

ClinVar aggregate classification (germline): Uncertain significance. Review status: criteria provided, multiple submitters, no conflicts (2 of 4 stars). 2 submissions from 2 submitters: Uncertain significance (2). Last evaluated 2026-04-07.

Conditions:
Cardiovascular phenotype. Identifiers: MedGen CN230736.

Allele frequency attached by ClinVar (database versions not stated): gnomAD 0.00001; gnomAD exomes 0.00002; TOPMed 0.00002; ExAC 0.00003.
gnomAD v4.1: 25 of 1,606,992 alleles (0.0016%); highest among the groups gnomAD compares: African/African-American, 0.008%; no homozygotes.

Submissions (2):

Women's Health and Genetics/Laboratory Corporation of America, LabCorp
Classification: Uncertain significance. Last evaluated: 2026-04-07. Review status: criteria provided, single submitter. Criteria: LabCorp Variant Classification Summary - May 2015. Collection method: clinical testing. Allele origin: germline.

Ambry Genetics
Classification: Uncertain significance for Cardiovascular phenotype. Last evaluated: 2023-11-10. Review status: criteria provided, single submitter. Criteria: Ambry Variant Classification Scheme 2023. Collection method: clinical testing. Allele origin: germline.
Comment: The p.R76C variant (also known as c.226C>T), located in coding exon 1 of the TNXB gene, results from a C to T substitution at nucleotide position 226. The arginine at codon 76 is replaced by cysteine, an amino acid with highly dissimilar properties. This amino acid position is conserved. In addition, this alteration is predicted to be deleterious by in silico analysis. Since supporting evidence is limited at this time, the clinical significance of this alteration remains unclear.